The following is an entry in ClinVar:

ClinVar aggregate classification (germline): Uncertain significance (1 of 4 stars; one submission).

gnomAD v4.1: 6 of 1,614,020 alleles (0.00037%); highest among the groups gnomAD compares: Non-Finnish European, 0.00042%; no homozygotes.

Submission:

GeneDx
Classification: Uncertain significance. Last evaluated: 2026-02-09. Review status: criteria provided, single submitter. Criteria: GeneDx Variant Classification Process June 2021. Collection method: clinical testing. Allele origin: germline.
Comment: Not observed at significant frequency in large population cohorts (gnomAD); In silico analysis supports that this missense variant has a deleterious effect on protein structure/function; Has not been previously published as pathogenic or benign to our knowledge

NM_014974.3(DIP2C):c.1268G>T (p.Gly423Val)

Gene: DIP2C (DIP2 acetate--CoA ligase C (putative); minus strand). Cytogenetic location: 10p15.3.
Variant type: single nucleotide variant.
Coding change: c.1268G>T on transcript NM_014974.3 (MANE Select); coding-DNA position 1268, G replaced by T.
Protein change: p.Gly423Val; replaces glycine 423 with valine.
Molecular consequence: missense variant.
Genome position (GRCh38, 1-based): chr10:390,856, C>A on the plus strand (G>T on the coding strand, the complement: DIP2C is on the minus strand). VCF-style: chr10-390856-C-A. GRCh37 (hg19) VCF-style: chr10-436796-C-A.
Other names: short protein forms G423V.
Identifiers: ClinVar variation 4976244 (VCV004976244.1).